The following is an entry in ClinVar:

ClinVar aggregate classification (germline): Likely benign (0 of 4 stars; one submission).

Conditions:
PARD3-related disorder. Also called: PARD3-related condition.

Allele frequency attached by ClinVar (database versions not stated): gnomAD 0.00007; gnomAD exomes 0.00009; TOPMed 0.00009; ExAC 0.00010.
gnomAD v4.1: 144 of 1,613,878 alleles (0.0089%); highest among the groups gnomAD compares: Non-Finnish European, 0.011%; no homozygotes.

Submission:

PreventionGenetics, part of Exact Sciences
Classification: Likely benign for PARD3-related condition. Last evaluated: 2019-08-15. Review status: no assertion criteria provided. Collection method: clinical testing. Allele origin: germline.
Comment: This variant is classified as likely benign based on ACMG/AMP sequence variant interpretation guidelines (Richards et al. 2015 PMID: 25741868, with internal and published modifications).

NM_001184785.2(PARD3):c.2730G>A (p.Pro910=)

Gene: PARD3 (par-3 family cell polarity regulator; minus strand). Cytogenetic location: 10p11.21.
Variant type: single nucleotide variant.
Coding change: c.2730G>A on transcript NM_001184785.2 (MANE Select); coding-DNA position 2730, G replaced by A.
Protein change: p.Pro910=; no amino-acid change (proline 910 retained).
Molecular consequence: synonymous variant.
Genome position (GRCh38, 1-based): chr10:34,331,220, C>T on the plus strand (G>A on the coding strand, the complement: PARD3 is on the minus strand). VCF-style: chr10-34331220-C-T. GRCh37 (hg19) VCF-style: chr10-34620148-C-T.
Other names: c.2691G>A, p.Pro897= (NM_001184786.2); c.2739G>A, p.Pro913= (NM_001184787.2, NM_019619.4); c.2601G>A, p.Pro867= (NM_001184788.2, NM_001184789.2, NM_001184794.2); c.2469G>A, p.Pro823= (NM_001184790.2); c.2514G>A, p.Pro838= (NM_001184791.2); c.2730G>A, p.Pro910= (NM_001184792.2); c.2637G>A, p.Pro879= (NM_001184793.2).
Identifiers: ClinVar variation 3053763 (VCV003053763.2), dbSNP rs755162348, ClinGen allele CA5467522.